The following is an entry in ClinVar:

ClinVar aggregate classification (germline): Conflicting classifications of pathogenicity. Review status: criteria provided, conflicting classifications (1 of 4 stars). 2 submissions from 2 submitters: Uncertain significance (1); Likely benign (1). Last evaluated 2025-08-03.

Submissions (2):

Labcorp Genetics (formerly Invitae), Labcorp
Classification: Uncertain significance. Last evaluated: 2025-08-03. Review status: criteria provided, single submitter. Criteria: Invitae Variant Classification Sherloc (09022015). Collection method: clinical testing. Allele origin: germline.
Comment: This sequence change falls in intron 7 of the REN gene. It does not directly change the encoded amino acid sequence of the REN protein. This variant is present in population databases (rs764764097, gnomAD 0.03%). This variant has not been reported in the literature in individuals affected with REN-related conditions. Algorithms developed to predict the effect of sequence changes on RNA splicing suggest that this variant may disrupt the consensus splice site. In summary, the available evidence is currently insufficient to determine the role of this variant in disease. Therefore, it has been classified as a Variant of Uncertain Significance.

Blueprint Genetics
Classification: Likely benign. Last evaluated: 2024-11-01. Review status: criteria provided, single submitter. Criteria: ACMG Guidelines, 2015. Collection method: clinical testing. Allele origin: germline.

NM_000537.4(REN):c.819-45TCTG[5]

Gene: REN (renin; minus strand). Cytogenetic location: 1q32.1.
Variant type: Microsatellite.
Coding change: c.819-45TCTG[5] on transcript NM_000537.4 (MANE Select); five copies in a row of the 4-base unit TCTG starting at c.819-45; the reference has seven copies in a row; two copies, 8 bases deleted.
Molecular consequence: intron variant.
Genome position (GRCh38, 1-based): chr1:204,156,337-204,156,344, CAGACAGA deleted on the plus strand (TCTGTCTG on the coding strand, the reverse complement: REN is on the minus strand); deleting any 8 consecutive bases within chr1:204,156,337-204,156,364 gives the same sequence; the position shown is the placement nearest the transcript's 3' end. VCF-style (leftmost placement, unchanged base first): chr1-204156336-TCAGACAGA-T. GRCh37 (hg19) VCF-style: chr1-204125464-TCAGACAGA-T.
Identifiers: ClinVar variation 1899361 (VCV001899361.6), dbSNP rs3839003, ClinGen allele CA1344759.